The following is an entry in ClinVar:

NM_000218.3(KCNQ1):c.391C>T (p.Leu131Phe)

Gene: KCNQ1 (potassium voltage-gated channel subfamily Q member 1; plus strand). Cytogenetic location: 11p15.5.
Variant type: single nucleotide variant.
Coding change: c.391C>T on transcript NM_000218.3 (MANE Select); coding-DNA position 391, C replaced by T.
Protein change: p.Leu131Phe; replaces leucine 131 with phenylalanine.
Molecular consequence: missense variant.
Genome position (GRCh38, 1-based): chr11:2,527,932, C>T. VCF-style: chr11-2527932-C-T. GRCh37 (hg19) VCF-style: chr11-2549162-C-T.
Other names: c.391C>T, p.Leu131Phe (NM_001406836.1, NM_001406838.1); c.121C>T, p.Leu41Phe (NM_001406837.1); c.10C>T, p.Leu4Phe (NM_181798.2); short protein forms L131F, L4F, L41F.
Identifiers: ClinVar variation 4709529 (VCV004709529.1).
Genomic context (GRCh38, chr11:2,527,932, plus strand): 5'-GCATCTGTGGGATGGGCAGAGGCCGTGATGCTGACTGCCGTGTCCCTGTCTTGCAGCTTC[C>T]TCATCGTCCTGGTCTGCCTCATCTTCAGCGTGCTGTCCACCATCGAGCAGTATGCCGCCC-3'
Protein context (NP_000209.2, residues 121-141): KCFVYHFAVF[Leu131Phe]IVLVCLIFSV

ClinVar aggregate classification (germline): Uncertain significance (1 of 4 stars; one submission).

Conditions:
Long QT syndrome (LQTS). Identifiers: MedGen C0023976, MeSH D008133, MONDO:0002442. Disease mechanism: loss of function. Inheritance: Various modes of inheritance.

gnomAD v4.1: 1 of 1,614,074 alleles (0.000062%); highest among the groups gnomAD compares: Non-Finnish European, 0.000085%; no homozygotes.

Submission:

Labcorp Genetics (formerly Invitae), Labcorp
Classification: Uncertain significance for Long QT syndrome. Last evaluated: 2025-08-15. Review status: criteria provided, single submitter. Criteria: Invitae Variant Classification Sherloc (09022015). Collection method: clinical testing. Allele origin: germline.
Comment: This sequence change replaces leucine, which is neutral and non-polar, with phenylalanine, which is neutral and non-polar, at codon 131 of the KCNQ1 protein (p.Leu131Phe). This variant is not present in population databases (gnomAD no frequency). This variant has not been reported in the literature in individuals affected with KCNQ1-related conditions. Invitae Evidence Modeling of protein sequence and biophysical properties (such as structural, functional, and spatial information, amino acid conservation, physicochemical variation, residue mobility, and thermodynamic stability) has been performed for this missense variant. However, the output from this modeling did not meet the statistical confidence thresholds required to predict the impact of this variant on KCNQ1 protein function. In summary, the available evidence is currently insufficient to determine the role of this variant in disease. Therefore, it has been classified as a Variant of Uncertain Significance.